The following is an entry in ClinVar:

NM_000057.4(BLM):c.1027T>G (p.Ser343Ala)

Gene: BLM (BLM RecQ like helicase; plus strand). Cytogenetic location: 15q26.1.
Variant type: single nucleotide variant.
Coding change: c.1027T>G on transcript NM_000057.4 (MANE Select); coding-DNA position 1027, T replaced by G.
Protein change: p.Ser343Ala; replaces serine 343 with alanine.
Molecular consequence: missense variant. On other transcripts: 5 prime UTR variant (1).
Genome position (GRCh38, 1-based): chr15:90,754,878, T>G. VCF-style: chr15-90754878-T-G. GRCh37 (hg19) VCF-style: chr15-91298108-T-G.
Other names: c.1027T>G, p.Ser343Ala (NM_001287246.2, NM_001287247.2); c.-265T>G (NM_001287248.2); short protein forms S343A.
Identifiers: ClinVar variation 454060 (VCV000454060.16), dbSNP rs776620199, ClinGen allele CA7738411.

ClinVar aggregate classification (germline): Uncertain significance. Review status: criteria provided, multiple submitters, no conflicts (2 of 4 stars). 3 submissions from 3 submitters: Uncertain significance (3). Last evaluated 2025-12-14.

Conditions:
Hereditary cancer-predisposing syndrome. Also called: Hereditary Cancer Syndrome; Hereditary neoplastic syndrome; Neoplastic Syndromes, Hereditary; Tumor predisposition. Identifiers: Orphanet 140162, MedGen C0027672, MeSH D009386, MONDO:0015356.
Bloom syndrome (BLM). Also called: Bloom-Torre-Machacek syndrome. Identifiers: Orphanet 125, MedGen C0005859, MONDO:0008876, OMIM 210900.

Allele frequency attached by ClinVar (database versions not stated): gnomAD exomes below 0.00001 and 0.00001; ExAC 0.00001.
gnomAD v4.1: 2 of 1,613,942 alleles (0.00012%); highest among the groups gnomAD compares: Non-Finnish European, 0.000085%; no homozygotes.

Submissions (3):

Labcorp Genetics (formerly Invitae), Labcorp
Classification: Uncertain significance for Bloom syndrome. Last evaluated: 2025-12-14. Review status: criteria provided, single submitter. Criteria: Invitae Variant Classification Sherloc (09022015). Collection method: clinical testing. Allele origin: germline.
Comment: This sequence change replaces serine, which is neutral and polar, with alanine, which is neutral and non-polar, at codon 343 of the BLM protein (p.Ser343Ala). This variant is present in population databases (rs776620199, gnomAD 0.003%). This variant has not been reported in the literature in individuals affected with BLM-related conditions. ClinVar contains an entry for this variant (Variation ID: 454060). Invitae Evidence Modeling of protein sequence and biophysical properties (such as structural, functional, and spatial information, amino acid conservation, physicochemical variation, residue mobility, and thermodynamic stability) indicates that this missense variant is not expected to disrupt BLM protein function with a negative predictive value of 80%. In summary, the available evidence is currently insufficient to determine the role of this variant in disease. Therefore, it has been classified as a Variant of Uncertain Significance.

Ambry Genetics
Classification: Uncertain significance for Hereditary cancer-predisposing syndrome. Last evaluated: 2024-05-18. Review status: criteria provided, single submitter. Criteria: Ambry Variant Classification Scheme 2023. Collection method: clinical testing. Allele origin: germline.
Comment: The p.S343A variant (also known as c.1027T>G), located in coding exon 4 of the BLM gene, results from a T to G substitution at nucleotide position 1027. The serine at codon 343 is replaced by alanine, an amino acid with similar properties. This amino acid position is well conserved in available vertebrate species. In addition, this alteration is predicted to be tolerated by in silico analysis. Since supporting evidence is limited at this time, the clinical significance of this alteration remains unclear.

Sema4
Classification: Uncertain significance for Hereditary cancer-predisposing syndrome. Last evaluated: 2021-04-11. Review status: criteria provided, single submitter. Criteria: Sema4 Curation Guidelines. Collection method: curation. Allele origin: germline.
Comment: The BLM c.1027T>G (p.S343A) variant has not been reported in the literature to our knowledge. It was observed in 3/113484 chromosomes of the Non-Finnish European subpopulation in the large and broad cohorts of the Genome Aggregation Database (PMID: 32461654). The variant has been reported in ClinVar (Variation ID: 454060). In silico tools suggest the impact of the variant on protein function is benign, though these predictions have not been confirmed by functional studies. The evidence is insufficient to meet ACMG/AMP criteria for classifying the variant as benign or pathogenic. Thus, the clinical significance of this variant is currently uncertain.